The following is an entry in ClinVar:

NM_014855.3(AP5Z1):c.779C>T (p.Thr260Ile)

Gene: AP5Z1 (adaptor related protein complex 5 subunit zeta 1; plus strand). Cytogenetic location: 7p22.1.
Variant type: single nucleotide variant.
Coding change: c.779C>T on transcript NM_014855.3 (MANE Select); coding-DNA position 779, C replaced by T.
Protein change: p.Thr260Ile; replaces threonine 260 with isoleucine.
Molecular consequence: missense variant. On other transcripts: non-coding transcript variant (1).
Genome position (GRCh38, 1-based): chr7:4,784,360, C>T. VCF-style: chr7-4784360-C-T. GRCh37 (hg19) VCF-style: chr7-4823991-C-T.
Other names: c.779C>T, p.Thr260Ile (LRG_1247t1); c.311C>T, p.Thr104Ile (NM_001364858.1); short protein forms T260I, T104I.
Identifiers: ClinVar variation 579715 (VCV000579715.9), dbSNP rs894028182, ClinGen allele CA153021726.

ClinVar aggregate classification (germline): Uncertain significance. Review status: criteria provided, multiple submitters, no conflicts (2 of 4 stars). 2 submissions from 2 submitters: Uncertain significance (2). Last evaluated 2024-06-07.

Conditions:
Inborn genetic diseases. Identifiers: MedGen C0950123, MeSH D030342.
Hereditary spastic paraplegia 48. Also called: SPASTIC PARAPLEGIA 48, AUTOSOMAL RECESSIVE; Spastic paraplegia 48. Identifiers: Orphanet 306511, MedGen C3150901, MONDO:0013342, OMIM 613647.

Allele frequency attached by ClinVar (database versions not stated): gnomAD exomes below 0.00001; gnomAD 0.00001; TOPMed 0.00004.
gnomAD v4.1: 4 of 1,597,008 alleles (0.00025%); highest among the groups gnomAD compares: African/African-American, 0.004%; no homozygotes.

Submissions (2):

Ambry Genetics
Classification: Uncertain significance for Inborn genetic diseases. Last evaluated: 2024-06-07. Review status: criteria provided, single submitter. Criteria: Ambry Variant Classification Scheme 2023. Collection method: clinical testing. Allele origin: germline.

Labcorp Genetics (formerly Invitae), Labcorp
Classification: Uncertain significance for Hereditary spastic paraplegia 48. Last evaluated: 2018-06-04. Review status: criteria provided, single submitter. Criteria: Invitae Variant Classification Sherloc (09022015). Collection method: clinical testing. Allele origin: germline.
Comment: In summary, the available evidence is currently insufficient to determine the role of this variant in disease. Therefore, it has been classified as a Variant of Uncertain Significance. Algorithms developed to predict the effect of missense changes on protein structure and function are either unavailable or do not agree on the potential impact of this missense change (SIFT: "Deleterious"; PolyPhen-2: "Benign"; Align-GVGD: "Class C0"). This variant has not been reported in the literature in individuals with AP5Z1-related disease. This variant is not present in population databases (ExAC no frequency). This sequence change replaces threonine with isoleucine at codon 260 of the AP5Z1 protein (p.Thr260Ile). The threonine residue is moderately conserved and there is a moderate physicochemical difference between threonine and isoleucine.